The following is an entry in ClinVar:

ClinVar aggregate classification (germline): Conflicting classifications of pathogenicity. Review status: criteria provided, conflicting classifications (1 of 4 stars). 4 submissions from 4 submitters: Likely pathogenic (2); Uncertain significance (1). 1 of the submissions does not count toward it. Last evaluated 2023-11-29.

Conditions:
ADCY6-related disorder. Also called: ADCY6-related condition.
Lethal congenital contracture syndrome 8 (LCCS8). Identifiers: MedGen C4225385, MONDO:0014570, OMIM 616287.

Allele frequency attached by ClinVar (database versions not stated): TOPMed below 0.00001; gnomAD exomes 0.00001.
gnomAD v4.1: 10 of 1,613,996 alleles (0.00062%); highest among the groups gnomAD compares: Non-Finnish European, 0.00085%; no homozygotes.

Submissions (4):

Clinical Genomics Laboratory, Washington University in St. Louis
Classification: Uncertain significance for Lethal congenital contracture syndrome 8. Last evaluated: 2023-11-29. Review status: criteria provided, single submitter. Criteria: ACMG Guidelines, 2015. Collection method: clinical testing. Allele origin: germline. Affected: yes.
Comment: The ADCY6 c.2975A>G (p.Tyr992Cys) variant has been reported in the homozygous state in one individual affected with arthrogryposis multiplex congenita with axoglial defects and foot deformities (Gonzaga-Jauregui C et al., PMID: 26257172). This variant has been reported in the ClinVar database as a germline pathogenic or likely pathogenic variant by two submitters. This variant is absent from the general population (gnomAD v.2.1.1), indicating it is not a common variant. This variant occurs in the nucleotide cyclase domain, changes a polar tyrosine to a non-polar cysteine, and computational predictors indicate that the variant is damaging, evidence that correlates with impact to ADCY6 function. Due to limited information, and based on ACMG/AMP guidelines for variant interpretation (Richards S et al., PMID: 25741868), the clinical significance of this variantis uncertain at this time.

Blueprint Genetics
Classification: Likely pathogenic for ADCY6-related disorders. Last evaluated: 2022-07-14. Review status: criteria provided, single submitter. Criteria: ACMG Guidelines, 2015. Collection method: clinical testing. Allele origin: germline. Affected: yes. Observed: 1 variant allele.

Lupski Lab, Baylor-Hopkins CMG, Baylor College of Medicine
Classification: Likely pathogenic for Lethal congenital contracture syndrome 8. Last evaluated: 2015-08-18. Review status: criteria provided, single submitter. Criteria: Gonzaga-Jauregui et al. (Cell Rep. 2015). Collection method: research. Allele origin: inherited. Inheritance: Autosomal recessive inheritance. Affected: yes. Observed: 1 variant allele, 1 homozygote.
Comment: Likely pathogenic based on conservation and prediction scores (Phylop, LRT, SIFT, Polyphen, MutationTaster).

OMIM
Classification: Pathogenic for LETHAL CONGENITAL CONTRACTURE SYNDROME 8. Last evaluated: 2021-01-26. Review status: no assertion criteria provided. Collection method: literature only. Allele origin: germline. Not counted in ClinVar's aggregate classification.

Literature cited by the submitters: PubMed 26257172 (cited by OMIM); PubMed 31846058 (cited by OMIM).

NM_015270.5(ADCY6):c.2975A>G (p.Tyr992Cys)

Gene: ADCY6 (adenylate cyclase 6; minus strand). Cytogenetic location: 12q13.12.
Variant type: single nucleotide variant.
Coding change: c.2975A>G on transcript NM_015270.5 (MANE Select); coding-DNA position 2975, A replaced by G.
Protein change: p.Tyr992Cys; replaces tyrosine 992 with cysteine.
Molecular consequence: missense variant.
Genome position (GRCh38, 1-based): chr12:48,771,786, T>C on the plus strand (A>G on the coding strand, the complement: ADCY6 is on the minus strand). VCF-style: chr12-48771786-T-C. GRCh37 (hg19) VCF-style: chr12-49165569-T-C.
Other names: c.2816A>G, p.Tyr939Cys (NM_001390830.1); c.2975A>G, p.Tyr992Cys (NM_001390831.2, NM_001412819.1, NM_001412820.1 and 2 more transcripts); short protein forms Y992C, Y939C.
Identifiers: ClinVar variation 243078 (VCV000243078.4), dbSNP rs879253864, ClinGen allele CA10584088.
Genomic context (GRCh38, chr12:48,771,786, plus strand): 5'-ATGATCTCGTTGAGCAGCCGCAGGCACTCGACACCCTCATTGTTTGCCTCCAGCTCCACA[T>C]AGAACTCAGAGAAGTTGGCAATGGAGGCAAACATAACAGCCACACACTCACACGACTGAT-3'
Protein context (NP_056085.1, residues 982-1002): FASIANFSEF[Tyr992Cys]VELEANNEGV